The following is an entry in ClinVar:

ClinVar aggregate classification (germline): Likely benign (1 of 4 stars; one submission).

Allele frequency attached by ClinVar (database versions not stated): gnomAD 0.00003; TOPMed 0.00006; ExAC 0.00007.
gnomAD v4.1: 63 of 1,584,962 alleles (0.004%); highest among the groups gnomAD compares: Admixed American, 0.0017%; no homozygotes.

Submission:

CeGaT Center for Human Genetics Tuebingen
Classification: Likely benign. Last evaluated: 2023-04-01. Review status: criteria provided, single submitter. Criteria: CeGaT Center For Human Genetics Tuebingen Variant Classification Criteria Version 2. Collection method: clinical testing. Allele origin: germline. Affected: yes. Observed: 1 variant allele.
Comment: SACK1H: BP4, BP7

NM_198488.5(SACK1H):c.1923G>A (p.Pro641=)

Gene: SACK1H (scaffolding CK1 anchoring protein H; minus strand). Cytogenetic location: 8q24.3.
Variant type: single nucleotide variant.
Coding change: c.1923G>A on transcript NM_198488.5 (MANE Select); coding-DNA position 1923, G replaced by A.
Protein change: p.Pro641=; no amino-acid change (proline 641 retained).
Molecular consequence: synonymous variant.
Genome position (GRCh38, 1-based): chr8:143,727,538, C>T on the plus strand (G>A on the coding strand, the complement: SACK1H is on the minus strand). VCF-style: chr8-143727538-C-T. GRCh37 (hg19) VCF-style: chr8-144809708-C-T.
Identifiers: ClinVar variation 2658907 (VCV002658907.24), dbSNP rs782271166, ClinGen allele CA4917321.